The following is an entry in ClinVar:

NM_002114.4(HIVEP1):c.2745T>C (p.Thr915=)

Gene: HIVEP1 (HIVEP zinc finger 1; plus strand). Cytogenetic location: 6p24.1.
Variant type: single nucleotide variant.
Coding change: c.2745T>C on transcript NM_002114.4 (MANE Select); coding-DNA position 2745, T replaced by C.
Protein change: p.Thr915=; no amino-acid change (threonine 915 retained).
Molecular consequence: synonymous variant.
Genome position (GRCh38, 1-based): chr6:12,122,540, T>C. VCF-style: chr6-12122540-T-C. GRCh37 (hg19) VCF-style: chr6-12122773-T-C.
Identifiers: ClinVar variation 402935 (VCV000402935.4), dbSNP rs2228211, ClinGen allele CA3637430.

ClinVar aggregate classification (germline): Benign (1 of 4 stars; one submission).

Allele frequency attached by ClinVar (database versions not stated): ESP Exome Variant Server 0.17027; gnomAD 0.18531 and 0.19333; TOPMed 0.19178; gnomAD exomes 0.21148 and 0.23929; ExAC 0.23529; 1000 Genomes Project 30x 0.25703; 1000 Genomes Project 0.26318.
gnomAD v4.1: 339,054 of 1,613,990 alleles (21%); highest among the groups gnomAD compares: East Asian, 44%; 38,171 homozygotes.

Submission:

Laboratory for Molecular Medicine, Mass General Brigham Personalized Medicine
Classification: Benign. Last evaluated: 2016-03-28. Review status: criteria provided, single submitter. Criteria: LMM Criteria. Collection method: clinical testing. Allele origin: germline.
Comment: Variant identified in a genome or exome case(s) and assessed due to predicted null impact of the variant or pathogenic assertions in the literature or databases. Disclaimer: This variant has not undergone full assessment. The following are preliminary notes: Frequency